The following is an entry in ClinVar:

ClinVar aggregate classification (germline): Uncertain significance (1 of 4 stars; one submission).

Submission:

Labcorp Genetics (formerly Invitae), Labcorp
Classification: Uncertain significance. Last evaluated: 2022-05-12. Review status: criteria provided, single submitter. Criteria: Invitae Variant Classification Sherloc (09022015). Collection method: clinical testing. Allele origin: germline.
Comment: In summary, the available evidence is currently insufficient to determine the role of this variant in disease. Therefore, it has been classified as a Variant of Uncertain Significance. Algorithms developed to predict the effect of missense changes on protein structure and function are either unavailable or do not agree on the potential impact of this missense change (SIFT: "Deleterious"; PolyPhen-2: "Probably Damaging"; Align-GVGD: "Class C0"). This variant has not been reported in the literature in individuals affected with DOCK6-related conditions. This variant is not present in population databases (gnomAD no frequency). This sequence change replaces valine, which is neutral and non-polar, with methionine, which is neutral and non-polar, at codon 1502 of the DOCK6 protein (p.Val1502Met).

NM_020812.4(DOCK6):c.4504G>A (p.Val1502Met)

Genes: DOCK6 (dedicator of cytokinesis 6; minus strand), DOCK6-AS1 (DOCK6 antisense RNA 1; plus strand). Cytogenetic location: 19p13.2.
Variant type: single nucleotide variant.
Coding change: c.4504G>A on transcript NM_020812.4 (MANE Select); coding-DNA position 4504, G replaced by A.
Protein change: p.Val1502Met; replaces valine 1502 with methionine.
Molecular consequence: missense variant.
Genome position (GRCh38, 1-based): chr19:11,212,139, C>T on the plus strand (G>A on the coding strand, the complement: DOCK6 is on the minus strand). VCF-style: chr19-11212139-C-T. GRCh37 (hg19) VCF-style: chr19-11322815-C-T.
Other names: c.4609G>A, p.Val1537Met (NM_001367830.1); short protein forms V1502M, V1537M.
Identifiers: ClinVar variation 1898056 (VCV001898056.5), dbSNP rs746662963, ClinGen allele CA305310143.